The following is an entry in ClinVar:

NM_001010892.3(RSPH4A):c.1633G>A (p.Val545Ile)

Gene: RSPH4A (radial spoke head component 4A; plus strand). Cytogenetic location: 6q22.1.
Variant type: single nucleotide variant.
Coding change: c.1633G>A on transcript NM_001010892.3 (MANE Select); coding-DNA position 1633, G replaced by A.
Protein change: p.Val545Ile; replaces valine 545 with isoleucine.
Molecular consequence: missense variant.
Genome position (GRCh38, 1-based): chr6:116,628,340, G>A. VCF-style: chr6-116628340-G-A. GRCh37 (hg19) VCF-style: chr6-116949503-G-A.
Other names: c.1633G>A, p.Val545Ile (NM_001161664.2); short protein forms V545I.
Identifiers: ClinVar variation 4803426 (VCV004803426.1).

ClinVar aggregate classification (germline): Uncertain significance (1 of 4 stars; one submission).

Conditions:
Primary ciliary dyskinesia. Also called: Ciliary dyskinesia. Identifiers: Orphanet 244, MedGen C0008780, MONDO:0016575, HP:0012265.

Submission:

Labcorp Genetics (formerly Invitae), Labcorp
Classification: Uncertain significance for Primary ciliary dyskinesia. Last evaluated: 2025-05-23. Review status: criteria provided, single submitter. Criteria: Invitae Variant Classification Sherloc (09022015). Collection method: clinical testing. Allele origin: germline.
Comment: This sequence change replaces valine, which is neutral and non-polar, with isoleucine, which is neutral and non-polar, at codon 545 of the RSPH4A protein (p.Val545Ile). This variant is not present in population databases (gnomAD no frequency). This variant has not been reported in the literature in individuals affected with RSPH4A-related conditions. Invitae Evidence Modeling of protein sequence and biophysical properties (such as structural, functional, and spatial information, amino acid conservation, physicochemical variation, residue mobility, and thermodynamic stability) indicates that this missense variant is expected to disrupt RSPH4A protein function with a positive predictive value of 80%. In summary, the available evidence is currently insufficient to determine the role of this variant in disease. Therefore, it has been classified as a Variant of Uncertain Significance.